The following is an entry in ClinVar:

ClinVar aggregate classification (germline): Uncertain significance (1 of 4 stars; one submission).

Conditions:
Facioscapulohumeral muscular dystrophy 2 (FSHD2). Also called: FACIOSCAPULOHUMERAL MUSCULAR DYSTROPHY 2, DIGENIC; MUSCULAR DYSTROPHY, FACIOSCAPULOHUMERAL, TYPE 1B; FSHD2, DIGENIC. Identifiers: Orphanet 269, MedGen C1834671, MONDO:0008031, OMIM 158901.

Submission:

Labcorp Genetics (formerly Invitae), Labcorp
Classification: Uncertain significance for Facioscapulohumeral muscular dystrophy 2. Last evaluated: 2022-08-22. Review status: criteria provided, single submitter. Criteria: Invitae Variant Classification Sherloc (09022015). Collection method: clinical testing. Allele origin: germline.
Comment: In summary, the available evidence is currently insufficient to determine the role of this variant in disease. Therefore, it has been classified as a Variant of Uncertain Significance. Algorithms developed to predict the effect of sequence changes on RNA splicing suggest that this variant may disrupt the consensus splice site. Algorithms developed to predict the effect of missense changes on protein structure and function are either unavailable or do not agree on the potential impact of this missense change (SIFT: "Tolerated"; PolyPhen-2: "Possibly Damaging"; Align-GVGD: "Class C0"). This variant has not been reported in the literature in individuals affected with SMCHD1-related conditions. This variant is not present in population databases (gnomAD no frequency). This sequence change replaces asparagine, which is neutral and polar, with aspartic acid, which is acidic and polar, at codon 1404 of the SMCHD1 protein (p.Asn1404Asp).

NM_015295.3(SMCHD1):c.4210A>G (p.Asn1404Asp)

Gene: SMCHD1 (structural maintenance of chromosomes flexible hinge domain containing 1; plus strand). Cytogenetic location: 18p11.32.
Variant type: single nucleotide variant.
Coding change: c.4210A>G on transcript NM_015295.3 (MANE Select); coding-DNA position 4210, A replaced by G.
Protein change: p.Asn1404Asp; replaces asparagine 1404 with aspartic acid.
Molecular consequence: missense variant.
Genome position (GRCh38, 1-based): chr18:2,751,322, A>G. VCF-style: chr18-2751322-A-G. GRCh37 (hg19) VCF-style: chr18-2751320-A-G.
Other names: short protein forms N1404D.
Identifiers: ClinVar variation 1717747 (VCV001717747.5), dbSNP rs2510122685, ClinGen allele CA401692728.